The following is an entry in ClinVar:

ClinVar aggregate classification (germline): Pathogenic (1 of 4 stars; one submission).

Conditions:
Autosomal recessive limb-girdle muscular dystrophy. Identifiers: Orphanet 102015, MedGen C2931907, MONDO:0015152.

Submission:

Myriad Genetics, Inc.
Classification: Pathogenic for Autosomal recessive limb-girdle muscular dystrophy. Last evaluated: 2024-05-01. Review status: criteria provided, single submitter. Criteria: Myriad Autosomal Dominant, Autosomal Recessive and X-Linked Classification Criteria (2023). Collection method: clinical testing. Allele origin: unknown.
Comment: NM_003494.3(DYSF):c.4296dupC(Y1433Lfs*29) is expected to be pathogenic in the context of dysferlinopathy. This variant is predicted to lead to an abnormal or absent protein product due to the creation of a premature termination codon in DYSF, a gene where loss-of-function variants are known to be pathogenic. Please note: this variant was assessed in the context of healthy population screening.

NM_001130987.2(DYSF):c.4350dup (p.Tyr1451fs)

Gene: DYSF (dysferlin; plus strand). Cytogenetic location: 2p13.2.
Variant type: Duplication.
Coding change: c.4350dup on transcript NM_001130987.2 (MANE Select); coding-DNA position 4350, one base duplicated (C; older notation c.4350dupC).
Protein change: p.Tyr1451fs; shifts the reading frame from tyrosine 1451.
Molecular consequence: frameshift variant.
Genome position (GRCh38, 1-based): chr2:71,612,769, C duplicated; the last of 4 consecutive C bases (chr2:71,612,766-71,612,769); duplicating any one gives the same sequence. VCF-style (leftmost placement, unchanged base first): chr2-71612765-A-AC. GRCh37 (hg19) VCF-style: chr2-71839895-A-AC.
Other names: c.4299dup, p.Tyr1434fs (NM_001130455.2, NM_001130983.2); c.4254dup, p.Tyr1419fs (NM_001130976.2, NM_001130977.2); c.4296dup, p.Tyr1433fs (NM_001130978.2, NM_003494.4); c.4389dup, p.Tyr1464fs (NM_001130979.2); c.4347dup, p.Tyr1450fs (NM_001130980.2, NM_001130981.2); c.4392dup, p.Tyr1465fs (NM_001130982.2); c.4257dup, p.Tyr1420fs (NM_001130984.2, NM_001130986.2); c.4350dup, p.Tyr1451fs (NM_001130985.2); short protein forms Y1419fs, Y1420fs, Y1433fs, Y1434fs, Y1450fs, Y1451fs, Y1464fs, Y1465fs.
Identifiers: ClinVar variation 5012977 (VCV005012977.1).